The following is an entry in ClinVar:

ClinVar aggregate classification (germline): Uncertain significance (1 of 4 stars; one submission).

Conditions:
Amyotrophic lateral sclerosis type 21. Also called: VOCAL CORD AND PHARYNGEAL DYSFUNCTION WITH DISTAL MYOPATHY; MYOPATHY, DISTAL, 2. Identifiers: Orphanet 600, Orphanet 803, MedGen C3807521, MONDO:0011632, OMIM 606070.

Allele frequency attached by ClinVar (database versions not stated): gnomAD 0.00001; gnomAD exomes 0.00001 and 0.00003; TOPMed 0.00001; ExAC 0.00004.

Submission:

Labcorp Genetics (formerly Invitae), Labcorp
Classification: Uncertain significance for Amyotrophic lateral sclerosis type 21. Last evaluated: 2021-03-25. Review status: criteria provided, single submitter. Criteria: Invitae Variant Classification Sherloc (09022015). Collection method: clinical testing. Allele origin: germline.
Comment: In summary, the available evidence is currently insufficient to determine the role of this variant in disease. Therefore, it has been classified as a Variant of Uncertain Significance. Algorithms developed to predict the effect of missense changes on protein structure and function are either unavailable or do not agree on the potential impact of this missense change (SIFT: "Tolerated"; PolyPhen-2: "Possibly Damaging"; Align-GVGD: "Class C0"). This variant has not been reported in the literature in individuals with MATR3-related conditions. This variant is present in population databases (rs779612686, ExAC 0.02%). This sequence change replaces alanine with threonine at codon 450 of the MATR3 protein (p.Ala450Thr). The alanine residue is highly conserved and there is a small physicochemical difference between alanine and threonine.

NM_018834.6(MATR3):c.1348G>A (p.Ala450Thr)

Gene: MATR3 (matrin 3; plus strand). Cytogenetic location: 5q31.2.
Variant type: single nucleotide variant.
Coding change: c.1348G>A on transcript NM_018834.6 (MANE Select); coding-DNA position 1348, G replaced by A.
Protein change: p.Ala450Thr; replaces alanine 450 with threonine.
Molecular consequence: missense variant.
Genome position (GRCh38, 1-based): chr5:139,318,947, G>A. VCF-style: chr5-139318947-G-A. GRCh37 (hg19) VCF-style: chr5-138654636-G-A.
Other names: c.1348G>A, p.Ala450Thr (NM_001194954.2, NM_001194955.2, NM_199189.3); c.484G>A, p.Ala162Thr (NM_001194956.2); c.334G>A, p.Ala112Thr (NM_001282278.2); short protein forms A112T, A450T, A162T.
Identifiers: ClinVar variation 1348062 (VCV001348062.8), dbSNP rs779612686, ClinGen allele CA3433129.